The following is an entry in ClinVar:

NM_001106.4(ACVR2B):c.*5700A>C

Gene: ACVR2B (activin A receptor type 2B; plus strand). Cytogenetic location: 3p22.2.
Variant type: single nucleotide variant.
Coding change: c.*5700A>C on transcript NM_001106.4 (MANE Select); 5700 bases downstream of the stop codon, A replaced by C.
Molecular consequence: 3 prime UTR variant.
Genome position (GRCh38, 1-based): chr3:38,489,032, A>C. VCF-style: chr3-38489032-A-C. GRCh37 (hg19) VCF-style: chr3-38530523-A-C.
Identifiers: ClinVar variation 345004 (VCV000345004.5), dbSNP rs141178727, ClinGen allele CA10618295.

ClinVar aggregate classification (germline): Benign (1 of 4 stars; one submission).

Conditions:
Heterotaxy, visceral, 4, autosomal (HTX4). Identifiers: Orphanet 450, MedGen C3151057, MONDO:0013403, OMIM 613751.

Allele frequency attached by ClinVar (database versions not stated): 1000 Genomes Project 0.00220; gnomAD 0.00241 and 0.00261; 1000 Genomes Project 30x 0.00250; TOPMed 0.00287.

Submission:

Illumina Laboratory Services, Illumina
Classification: Benign for Heterotaxy, visceral, 4, autosomal. Last evaluated: 2018-01-12. Review status: criteria provided, single submitter. Criteria: ICSL Variant Classification Criteria 13 December 2019. Collection method: clinical testing. Allele origin: germline.
Comment: This variant was observed in the ICSL laboratory as part of a predisposition screen in an ostensibly healthy population. It had not been previously curated by ICSL or reported in the Human Gene Mutation Database (HGMD: prior to June 1st, 2018), and was therefore a candidate for classification through an automated scoring system. Utilizing variant allele frequency, disease prevalence and penetrance estimates, and inheritance mode, an automated score was calculated to assess if this variant is too frequent to cause the disease. Based on the score and internal cut-off values, a variant classified as benign is not then subjected to further curation. The score for this variant resulted in a classification of benign for this disease.